The following is an entry in ClinVar:

ClinVar aggregate classification (germline): Uncertain significance (1 of 4 stars; one submission).

Conditions:
FLT4-related disorder. Also called: FLT4-related condition.

Submission:

PreventionGenetics, part of Exact Sciences
Classification: Uncertain significance for FLT4-related condition. Last evaluated: 2026-06-12. Review status: criteria provided, single submitter. Criteria: ACMG Guidelines, 2015. Collection method: clinical testing. Allele origin: germline.
Comment: The FLT4 c.2783A>C variant is predicted to result in the amino acid substitution p.Glu928Ala. To our knowledge, this variant has not been reported in the literature or in a large population database (gnomAD), indicating this variant is rare. At this time, the clinical significance of this variant is uncertain due to the absence of conclusive functional and genetic evidence.

NM_182925.5(FLT4):c.2783A>C (p.Glu928Ala)

Gene: FLT4 (fms related receptor tyrosine kinase 4; minus strand). Cytogenetic location: 5q35.3.
Variant type: single nucleotide variant.
Coding change: c.2783A>C on transcript NM_182925.5 (MANE Select); coding-DNA position 2783, A replaced by C.
Protein change: p.Glu928Ala; replaces glutamic acid 928 with alanine.
Molecular consequence: missense variant.
Genome position (GRCh38, 1-based): chr5:180,619,088, T>G on the plus strand (A>C on the coding strand, the complement: FLT4 is on the minus strand). VCF-style: chr5-180619088-T-G. GRCh37 (hg19) VCF-style: chr5-180046088-T-G.
Other names: c.2783A>C, p.Glu928Ala (NM_001354989.2, NM_002020.5); short protein forms E928A.
Identifiers: ClinVar variation 4993571 (VCV004993571.1).